The following is an entry in ClinVar:

ClinVar aggregate classification (germline): Pathogenic/Likely pathogenic. Review status: criteria provided, multiple submitters, no conflicts (2 of 4 stars). 11 submissions from 11 submitters: Pathogenic (8); Likely pathogenic (2). 1 of the submissions does not count toward it. Last evaluated 2025-05-11.

Conditions:
Frontometaphyseal dysplasia (FMD1). Identifiers: Orphanet 1826, MedGen C0265293, MONDO:0015942.
Oto-palato-digital syndrome, type II (OPD2). Also called: Otopalatodigital Syndrome Type 2 (FLNA-OPD2); Otopalatodigital Syndrome, Type II; FACIOPALATOOSSEOUS SYNDROME; OPD II SYNDROME. Identifiers: Orphanet 669, Orphanet 90652, MedGen C1844696, MONDO:0010571, OMIM 304120.
Melnick-Needles syndrome (MNS). Also called: Melnick-Needles Syndrome (FLNA-MNS); MELNICK-NEEDLES OSTEODYSPLASTY; OSTEODYSPLASTY OF MELNICK AND NEEDLES. Identifiers: Orphanet 2484, MedGen C0025237, MONDO:0010650, OMIM 309350.
Heterotopia, periventricular, X-linked dominant (PVNH1). Also called: PERIVENTRICULAR NODULAR HETEROTOPIA 4; HETEROTOPIA, PERIVENTRICULAR, 1; X-linked periventricular heterotopia; PERIVENTRICULAR NODULAR HETEROTOPIA 1. Identifiers: Orphanet 2149, Orphanet 82004, MedGen C1848213, MONDO:0010233, OMIM 300049.
FLNA-related disorder.
Familial thoracic aortic aneurysm and aortic dissection (TAAD). Also called: Thoracic aortic aneurysms and dissections. Identifiers: Orphanet 91387, MedGen C4707243, MONDO:0019625.
Oto-palato-digital syndrome, type I (OPD1). Also called: Otopalatodigital Syndrome Type 1 (FLNA-OPD1); Otopalatodigital Syndrome, Type I; Taybi syndrome; OPD I SYNDROME; OPD SYNDROME 1. Identifiers: Orphanet 669, Orphanet 90650, MedGen C0265251, MONDO:0010704, OMIM 311300.
Conductive hearing impairment. Also called: Conductive hearing loss disorder. Identifiers: MedGen C0018777, MONDO:0020679, HP:0000405.
Cleft palate. Identifiers: Orphanet 2014, MedGen C2981150, MONDO:0016064, HP:0000175.
Short stature. Identifiers: MedGen C0349588, HP:0004322.

Submissions (13):

Labcorp Genetics (formerly Invitae), Labcorp
Classification: Pathogenic for Oto-palato-digital syndrome, type II; Heterotopia, periventricular, X-linked dominant; Frontometaphyseal dysplasia; Melnick-Needles syndrome. Last evaluated: 2025-05-11. Review status: criteria provided, single submitter. Criteria: Invitae Variant Classification Sherloc (09022015). Collection method: clinical testing. Allele origin: germline.
Comment: This sequence change replaces proline, which is neutral and non-polar, with leucine, which is neutral and non-polar, at codon 207 of the FLNA protein (p.Pro207Leu). This variant is not present in population databases (gnomAD no frequency). This missense change has been observed in individuals with otopalatodigital syndrome (PMID: 3265608, 6019437, 12612583, 16538226, 31942422). It has also been observed to segregate with disease in related individuals. ClinVar contains an entry for this variant (Variation ID: 11755). An algorithm developed to predict the effect of missense changes on protein structure and function (PolyPhen-2) suggests that this variant is likely to be disruptive. For these reasons, this variant has been classified as Pathogenic.

PreventionGenetics, part of Exact Sciences
Classification: Pathogenic for FLNA-related condition. Last evaluated: 2025-04-30. Review status: criteria provided, single submitter. Criteria: ACMG Guidelines, 2015. Collection method: clinical testing. Allele origin: germline.
Comment: The FLNA c.620C>T variant is predicted to result in the amino acid substitution p.Pro207Leu. This variant has been reported in multiple individuals with otopalatodigital (OPD) syndrome type 1, and was demonstrated to segregate with disease in two families (Robertson et al. 2003. PubMed ID: 12612583; Robertson et al. 2006. PubMed ID: 16538226; Moutton et al. 2016. PubMed ID: 27193221; Joksic et al. 2019. PubMed ID: 31942422). In one family, the variant was reported in two affected brothers, but absent in the mother's leukocyte DNA (Robertson et al. 2006. PubMed ID: 16538226). This variant has not been reported in a large population database (gnomAD), indicating it is rare. This variant is classified as pathogenic/likely pathogenic in the ClinVar database. This variant is interpreted as pathogenic.

Victorian Clinical Genetics Services, Murdoch Childrens Research Institute
Classification: Pathogenic for Oto-palato-digital syndrome, type I. Last evaluated: 2024-10-10. Review status: criteria provided, single submitter. Criteria: ACMG Guidelines, 2015. Collection method: clinical testing. Allele origin: germline. Inheritance: X-linked dominant inheritance. Affected: yes.
Comment: Based on the classification scheme VCGS_Germline_v1.3.5, this variant is classified as Pathogenic. Following criteria are met: 0103 - Loss of function and gain of function are known mechanisms of disease in this gene. Loss of function variants are reported to cause periventricular nodular heterotopia, X-linked cardiac valvular dystrophy and gastrointestinal diseases, whereas gain of function missense variants and small in-frame deletions lead to the otopalatodigital spectrum of disease. X-linked cardiac valvular dystrophy is caused by mostly missense or splice variants in filamin repeats 1, 4, 5, 6 and 7 (PMID: 30089473). (I) 0108 - This gene is associated with both X-linked recessive and dominant disease (OMIM). (I) 0200 - Variant is predicted to result in a missense amino acid change from proline to leucine. (I) 0253 - This variant is hemizygous. (I) 0301 - Variant is absent from gnomAD (v2, v3 and v4). (SP) 0501 - Missense variant consistently predicted to be damaging by multiple in silico tools or highly conserved with a major amino acid change. (SP) 0603 - Missense variant in a region that is highly intolerant to missense variation (high constraint region in DECIPHER). (SP) 0801 - This variant has strong previous evidence of pathogenicity in unrelated individuals. This variant has been classified as likely pathogenic and pathogenic by multiple clinical laboratories in ClinVar. This variant has also been observed in multiple unrelated hemizygous males with otopalatodigital syndrome, and mildly affected heterozygous females (PMID: 31942422, 27193221). (I)

GeneDx
Classification: Pathogenic. Last evaluated: 2024-02-28. Review status: criteria provided, single submitter. Criteria: GeneDx Variant Classification Process June 2021. Collection method: clinical testing. Allele origin: germline.
Comment: Not observed at significant frequency in large population cohorts (gnomAD); In silico analysis supports that this missense variant has a deleterious effect on protein structure/function; This variant is associated with the following publications: (PMID: 12612583, 6019437, 34277511, 31942422, 16538226)

Clinical Genetics Laboratory, Skane University Hospital Lund
Classification: Likely pathogenic. Last evaluated: 2022-05-27. Review status: criteria provided, single submitter. Criteria: ACMG Guidelines, 2015. Collection method: clinical testing. Allele origin: germline. Affected: yes.

Dasa
Classification: Pathogenic. Last evaluated: 2022-01-05. Review status: criteria provided, single submitter. Criteria: ACMG Guidelines, 2015. Collection method: clinical testing. Allele origin: germline. Affected: yes. Observed: 1 variant allele.
Comment: The c.620C>T;p.(Pro207Leu) missense variant has been observed in affected individual(s) and ClinVar contains an entry for this variant (ClinVar ID: 11755; OMIM: 300017.0009; PMID: 12612583; 31942422; 16538226) - PS4.The variant is located in a mutational hot spot and/or critical and well-established functional domain (CH domain; PMID: 15917206) - PM1. This variant is not present in population databases (rs28935469, gnomAD; ABraOM no frequency) - PM2. The variant co-segregated with disease in multiple affected family members (PMID: 12612583; 31942422; 16538226) - PP1_moderate. Multiple lines of computational evidence support a deleterious effect on the gene or gene product - PP3. In summary, the currently available evidence indicates that the variant is pathogenic.

Institute of Human Genetics Munich, TUM University Hospital
Classification: Pathogenic for Oto-palato-digital syndrome, type I. Last evaluated: 2020-01-16. Review status: criteria provided, single submitter. Criteria: Classification criteria August 2017. Collection method: clinical testing. Allele origin: maternal. Inheritance: X-linked inheritance. Affected: yes. Observed: 1 hemizygote.

ARUP Laboratories, Molecular Genetics and Genomics, ARUP Laboratories
Classification: Pathogenic. Last evaluated: 2018-11-20. Review status: criteria provided, single submitter. Criteria: ARUP Molecular Germline Variant Investigation Process. Collection method: clinical testing. Allele origin: germline.
Comment: The FLNA c.620C>T; p.Pro207Leu variant (rs28935469) has been described in individuals with otopalatodigital (OPD) syndrome type I (OPD1), and has shown to segregate with disease in males in at least 2 families (Robertson 2003). It contains an entry in ClinVar (Variation ID: 11755) and is absent from general population databases (1000 Genomes Project, Exome Variant Server, and Genome Aggregation Database), indicating it is not a common polymorphism. The proline at codon 207 is highly conserved, and computational algorithms (PolyPhen-2, SIFT) predict that this variant is deleterious. This variant is located in a calponin homology domain portion of the actin-binding domain, and several variants within this region are associated with OPD syndrome type I and type II, indicating that this domain is likely important for protein function (Hidalgo-Bravo 2005, Kondoh 2007, Marino-Enriquez 2007, Robertson 2003, Sankararaman 2013). Based on available information, this variant is considered pathogenic. REFERENCES Hidalgo-Bravo A et al. A novel filamin A D203Y mutation in a female patient with otopalatodigital type 1 syndrome and extremely skewed X chromosome inactivation. Am J Med Genet A. 2005 Jul 15;136(2):190-3. Kondoh T et al. A Japanese case of oto-palato-digital syndrome type II: an apparent lack of phenotype-genotype correlation. J Hum Genet. 2007;52(4):370-3. Marino-Enriquez A et al. Otopalatodigital syndrome type 2 in two siblings with a novel filamin A 629G>T mutation: clinical, pathological, and molecular findings. Am J Med Genet A. 2007 May 15;143A(10):1120-5. Robertson S et al. Localized mutations in the gene encoding the cytoskeletal protein filamin A cause diverse malformations in humans. Nat Genet. 2003 Apr;33(4):487-91. Sankararaman S et al. Otopalatodigital syndrome type 2 in a male infant: A case report with a novel sequence variation. J Pediatr Genet. 2013 Mar;2(1):33-6.

Ambry Genetics
Classification: Likely pathogenic for Familial thoracic aortic aneurysm and aortic dissection. Last evaluated: 2018-01-24. Review status: criteria provided, single submitter. Criteria: Ambry Variant Classification Scheme 2023. Collection method: clinical testing. Allele origin: germline.
Comment: The p.P207L variant (also known as c.620C>T), located in coding exon 2 of the FLNA gene, results from a C to T substitution at nucleotide position 620. The proline at codon 207 is replaced by leucine, an amino acid with similar properties. This alteration was first reported to segregate with type I otopalatodigital syndrome (OPD1) in two presumably unrelated families (Dudding BA et al. Am. J. Dis. Child., 1967 Feb;113:214-21; Robertson SP et al. Nat. Genet., 2003 Apr;33:487-91). This alteration was later reported in two affected brothers in a third family with OPD1, where it was not detected in the leukocyte DNA obtained from the mother. Two unaffected brothers in this family were not available for testing (Robertson SP et al. Eur. J. Hum. Genet., 2006 May;14:549-54). This amino acid position is highly conserved in available vertebrate species. In addition, this alteration is predicted to be deleterious by in silico analysis. Based on the majority of available evidence to date, this variant is likely to be pathogenic.

Centre for Mendelian Genomics, University Medical Centre Ljubljana
Classification: Pathogenic for Cleft palate; Conductive hearing impairment; Short stature. Last evaluated: 2015-10-21. Review status: criteria provided, single submitter. Criteria: ACMG Guidelines, 2015. Collection method: clinical testing. Allele origin: unknown. Affected: yes.

OMIM
Classification: Pathogenic for OTOPALATODIGITAL SYNDROME, TYPE I. Last evaluated: 2003-04-01. Review status: no assertion criteria provided. Collection method: literature only. Allele origin: germline. Not counted in ClinVar's aggregate classification.

Dr. Peter K. Rogan Lab, Western University
No classification provided (evidence only). Condition: Thyroid cancer, nonmedullary, 1. Review status: no classification provided. Collection method: in vitro. Allele origin: not applicable. Functional consequence: retained intron. Not counted in ClinVar's aggregate classification.

Dr. Peter K. Rogan Lab, Western University
No classification provided (evidence only). Condition: Gastric cancer. Review status: no classification provided. Collection method: in vitro. Allele origin: not applicable. Functional consequence: retained intron. Not counted in ClinVar's aggregate classification.

Literature cited by the submitters: PubMed 3265608 (cited by Labcorp Genetics (formerly Invitae), Labcorp); PubMed 6019437 (cited by Labcorp Genetics (formerly Invitae), Labcorp and Ambry Genetics); PubMed 12612583 (cited by 4 submitters); PubMed 16538226 (cited by 3 submitters); PubMed 31942422 (cited by 3 submitters); PubMed 27193221 (cited by Victorian Clinical Genetics Services, Murdoch Childrens Research Institute); PubMed 30089473 (cited by Victorian Clinical Genetics Services, Murdoch Childrens Research Institute); PubMed 20979190 (cited by Dasa); PubMed 11704759 (cited by Dasa); PubMed 22465605 (cited by Dasa); PubMed 11992261 (cited by Dasa); PubMed 15917206 (cited by OMIM).

NM_001110556.2(FLNA):c.620C>T (p.Pro207Leu)

Gene: FLNA (filamin A; minus strand). Cytogenetic location: Xq28.
Variant type: single nucleotide variant.
Coding change: c.620C>T on transcript NM_001110556.2 (MANE Select); coding-DNA position 620, C replaced by T.
Protein change: p.Pro207Leu; replaces proline 207 with leucine.
Molecular consequence: missense variant.
Genome position (GRCh38, 1-based): chrX:154,367,844, G>A on the plus strand (C>T on the coding strand, the complement: FLNA is on the minus strand). VCF-style: chrX-154367844-G-A. GRCh37 (hg19) VCF-style: chrX-153596212-G-A.
Other names: c.620C>T, p.Pro207Leu (NM_001456.4); short protein forms P207L.
Identifiers: ClinVar variation 11755 (VCV000011755.25), dbSNP rs28935469, ClinGen allele CA256056.